The following is an entry in ClinVar:

NC_000002.11:g.(?_1418181)_(1687943_?)dup

Genes: PXDN (peroxidasin; minus strand), TPO (thyroid peroxidase; plus strand). Cytogenetic location: 2p25.3.
Variant type: Duplication.
Identifiers: ClinVar variation 3247381 (VCV003247381.1).

ClinVar aggregate classification (germline): Uncertain significance (1 of 4 stars; one submission).

Conditions:
Anterior segment dysgenesis 7 (ASGD7). Also called: SCLEROCORNEA WITH OTHER OCULAR ANOMALIES; Anterior segment dysgenesis 7, with sclerocornea. Identifiers: Orphanet 289499, MedGen C3151617, MONDO:0010015, OMIM 269400.

Submission:

Labcorp Genetics (formerly Invitae), Labcorp
Classification: Uncertain significance for Anterior segment dysgenesis 7. Last evaluated: 2024-01-09. Review status: criteria provided, single submitter. Criteria: Invitae Variant Classification Sherloc (09022015). Collection method: clinical testing. Allele origin: unknown.
Comment: This variant results in a copy number gain of the genomic region encompassing exon(s) 5-23 of the PXDN gene. This region includes the termination codon of the gene. This copy number gain extends beyond the assayed region for this gene and therefore may encompass additional genes. As the precise location of this event is unknown, it may be in tandem or it may be located elsewhere in the genome. This variant has not been reported in the literature in individuals affected with PXDN-related conditions. In summary, the available evidence is currently insufficient to determine the role of this variant in disease. Therefore, it has been classified as a Variant of Uncertain Significance.